The following is an entry in ClinVar:

NM_033118.4(MYLK2):c.311C>G (p.Pro104Arg)

Gene: MYLK2 (myosin light chain kinase 2; plus strand). Cytogenetic location: 20q11.21.
Variant type: single nucleotide variant.
Coding change: c.311C>G on transcript NM_033118.4 (MANE Select); coding-DNA position 311, C replaced by G.
Protein change: p.Pro104Arg; replaces proline 104 with arginine.
Molecular consequence: missense variant.
Genome position (GRCh38, 1-based): chr20:31,820,384, C>G. VCF-style: chr20-31820384-C-G. GRCh37 (hg19) VCF-style: chr20-30408187-C-G.
Other names: short protein forms P104R.
Identifiers: ClinVar variation 3297630 (VCV003297630.1).

ClinVar aggregate classification (germline): Uncertain significance (1 of 4 stars; one submission).

Submission:

Ambry Genetics
Classification: Uncertain significance. Last evaluated: 2024-04-09. Review status: criteria provided, single submitter. Criteria: Ambry Variant Classification Scheme 2023. Collection method: clinical testing. Allele origin: germline.
Comment: The p.P104R variant (also known as c.311C>G), located in coding exon 2 of the MYLK2 gene, results from a C to G substitution at nucleotide position 311. The proline at codon 104 is replaced by arginine, an amino acid with dissimilar properties. This amino acid position is conserved. In addition, this alteration is predicted to be tolerated by in silico analysis. Based on the available evidence, the clinical significance of this variant remains unclear.